The following is an entry in ClinVar:

NM_000891.3(KCNJ2):c.50A>G (p.Asp17Gly)

Gene: KCNJ2 (potassium inwardly rectifying channel subfamily J member 2; plus strand). Cytogenetic location: 17q24.3.
Variant type: single nucleotide variant.
Coding change: c.50A>G on transcript NM_000891.3 (MANE Select); coding-DNA position 50, A replaced by G.
Protein change: p.Asp17Gly; replaces aspartic acid 17 with glycine.
Molecular consequence: missense variant.
Genome position (GRCh38, 1-based): chr17:70,175,089, A>G. VCF-style: chr17-70175089-A-G. GRCh37 (hg19) VCF-style: chr17-68171230-A-G.
Other names: short protein forms D17G.
Identifiers: ClinVar variation 3763295 (VCV003763295.2).

ClinVar aggregate classification (germline): Uncertain significance (1 of 4 stars; one submission).

Conditions:
Andersen Tawil syndrome (LQT7). Also called: ANDERSEN CARDIODYSRHYTHMIC PERIODIC PARALYSIS; LONG QT SYNDROME 7; PERIODIC PARALYSIS, POTASSIUM-SENSITIVE CARDIODYSRHYTHMIC TYPE; Potassium-sensitive periodic paralysis, ventricular ectopy, and dysmorphic features; Andersen Syndrome. Identifiers: Orphanet 37553, MedGen C1563715, MONDO:0008222, OMIM 170390.
Short QT syndrome type 3. Identifiers: Orphanet 51083, MedGen C1865018, MONDO:0012314, OMIM 609622.

Submission:

Labcorp Genetics (formerly Invitae), Labcorp
Classification: Uncertain significance for Short QT syndrome type 3; Andersen Tawil syndrome. Last evaluated: 2024-03-22. Review status: criteria provided, single submitter. Criteria: Invitae Variant Classification Sherloc (09022015). Collection method: clinical testing. Allele origin: germline.
Comment: This sequence change replaces aspartic acid, which is acidic and polar, with glycine, which is neutral and non-polar, at codon 17 of the KCNJ2 protein (p.Asp17Gly). This variant is present in population databases (rs780600986, gnomAD 0.01%). This variant has not been reported in the literature in individuals affected with KCNJ2-related conditions. An algorithm developed to predict the effect of missense changes on protein structure and function (PolyPhen-2) suggests that this variant is likely to be tolerated. In summary, the available evidence is currently insufficient to determine the role of this variant in disease. Therefore, it has been classified as a Variant of Uncertain Significance.